The following is an entry in ClinVar:

NM_021830.5(TWNK):c.951C>T (p.Ala317=)

Gene: TWNK (twinkle mtDNA helicase; plus strand). Cytogenetic location: 10q24.31.
Variant type: single nucleotide variant.
Coding change: c.951C>T on transcript NM_021830.5 (MANE Select); coding-DNA position 951, C replaced by T.
Protein change: p.Ala317=; no amino-acid change (alanine 317 retained).
Molecular consequence: synonymous variant. On other transcripts: non-coding transcript variant (4), intron variant (3).
Genome position (GRCh38, 1-based): chr10:100,989,161, C>T. VCF-style: chr10-100989161-C-T. GRCh37 (hg19) VCF-style: chr10-102748918-C-T.
Other names: c.951C>T, p.Ala317= (NM_001163812.2); c.-119-483C>T (NM_001163814.2, NM_001163813.2); c.-57-545C>T (NM_001368275.1).
Identifiers: ClinVar variation 1948490 (VCV001948490.30), dbSNP rs369150205, ClinGen allele CA5653143.

ClinVar aggregate classification (germline): Likely benign. Review status: criteria provided, multiple submitters, no conflicts (2 of 4 stars). 3 submissions from 3 submitters: Likely benign (3). Last evaluated 2026-06-08.

Allele frequency attached by ClinVar (database versions not stated): ExAC 0.00001; gnomAD exomes 0.00001; TOPMed 0.00001; ESP Exome Variant Server 0.00008.

Submissions (3):

Women's Health and Genetics/Laboratory Corporation of America, LabCorp
Classification: Likely benign. Last evaluated: 2026-06-08. Review status: criteria provided, single submitter. Criteria: LabCorp Variant Classification Summary - May 2015. Collection method: clinical testing. Allele origin: germline.

Labcorp Genetics (formerly Invitae), Labcorp
Classification: Likely benign. Last evaluated: 2024-10-21. Review status: criteria provided, single submitter. Criteria: Invitae Variant Classification Sherloc (09022015). Collection method: clinical testing. Allele origin: germline.

CeGaT Center for Human Genetics Tuebingen
Classification: Likely benign. Last evaluated: 2023-10-01. Review status: criteria provided, single submitter. Criteria: CeGaT Center For Human Genetics Tuebingen Variant Classification Criteria Version 2. Collection method: clinical testing. Allele origin: germline. Affected: yes. Observed: 1 variant allele.
Comment: TWNK: BP4, BP7